The following is an entry in ClinVar:

ClinVar aggregate classification (germline): Pathogenic (1 of 4 stars; one submission).

Conditions:
X-linked agammaglobulinemia with growth hormone deficiency (IGHD3). Also called: HYPOGAMMAGLOBULINEMIA AND ISOLATED GROWTH HORMONE DEFICIENCY, X-LINKED; IGHD III; Isolated growth hormone deficiency type 3; Growth hormone deficiency with hypogammaglobulinemia; ISOLATED GROWTH HORMONE DEFICIENCY, TYPE III, WITH AGAMMAGLOBULINEMIA; AGAMMAGLOBULINEMIA AND ISOLATED GROWTH HORMONE DEFICIENCY, X-LINKED. Identifiers: Orphanet 231692, Orphanet 631, MedGen C0472813, MONDO:0010615, OMIM 307200.

Submission:

Labcorp Genetics (formerly Invitae), Labcorp
Classification: Pathogenic for X-linked agammaglobulinemia with growth hormone deficiency. Last evaluated: 2025-06-19. Review status: criteria provided, single submitter. Criteria: Invitae Variant Classification Sherloc (09022015). Collection method: clinical testing. Allele origin: germline.
Comment: This sequence change creates a premature translational stop signal (p.Glu434*) in the BTK gene. It is expected to result in an absent or disrupted protein product. Loss-of-function variants in BTK are known to be pathogenic (PMID: 15661032, 16862044, 19419768). This variant is not present in population databases (gnomAD no frequency). This variant has not been reported in the literature in individuals affected with BTK-related conditions. For these reasons, this variant has been classified as Pathogenic.

Literature cited by the submitters: PubMed 15661032; PubMed 16862044; PubMed 19419768.

NM_000061.3(BTK):c.1300G>T (p.Glu434Ter)

Gene: BTK (Bruton tyrosine kinase; minus strand). Cytogenetic location: Xq22.1.
Variant type: single nucleotide variant.
Coding change: c.1300G>T on transcript NM_000061.3 (MANE Select); coding-DNA position 1300, G replaced by T.
Protein change: p.Glu434Ter; replaces glutamic acid 434 with a stop codon.
Molecular consequence: nonsense. On other transcripts: intron variant (1).
Genome position (GRCh38, 1-based): chrX:101,356,833, C>A on the plus strand (G>T on the coding strand, the complement: BTK is on the minus strand). VCF-style: chrX-101356833-C-A. GRCh37 (hg19) VCF-style: chrX-100611821-C-A.
Other names: c.1402G>T, p.Glu468Ter (NM_001287344.2); c.1038+1541G>T (NM_001287345.2); short protein forms E434*, E468*.
Identifiers: ClinVar variation 4721753 (VCV004721753.1).